The following is an entry in ClinVar:

Conditions:
Long QT syndrome 5 (LQT5). Identifiers: Orphanet 101016, Orphanet 768, MedGen C1867904, MONDO:0013372, OMIM 613695.

Submission:

Roden Lab, Vanderbilt University Medical Center
No classification provided (evidence only). Condition: Long QT syndrome 5. Review status: no classification provided. Collection method: in vitro. Allele origin: not applicable. Functional consequence: Effect on ion channel function.
ClinVar note: "not provided" was previously submitted as the classification for the variant. However, the classification appeared to be based only on an observation of functional data so it was converted to no classification on 2025-07-30.

NM_000219.6(KCNE1):c.26T>G (p.Val9Gly)

Gene: KCNE1 (potassium voltage-gated channel subfamily E regulatory subunit 1; minus strand). Cytogenetic location: 21q22.12.
Variant type: single nucleotide variant.
Coding change: c.26T>G on transcript NM_000219.6 (MANE Select); coding-DNA position 26, T replaced by G.
Protein change: p.Val9Gly; replaces valine 9 with glycine.
Molecular consequence: missense variant.
Genome position (GRCh38, 1-based): chr21:34,449,609, A>C on the plus strand (T>G on the coding strand, the complement: KCNE1 is on the minus strand). VCF-style: chr21-34449609-A-C. GRCh37 (hg19) VCF-style: chr21-35821907-A-C.
Other names: c.26T>G, p.Val9Gly (NM_001127668.4, NM_001127669.4, NM_001127670.4 and 4 more transcripts); short protein forms V9G.
Identifiers: ClinVar variation 3374482 (VCV003374482.2).
Genomic context (GRCh38, chr21:34,449,609, plus strand): 5'-CCCGACATGTTGCCACCCTGCTGAACTGTCTCCTGCCACAGCTTGGTCAGAAAGGGCGTC[A>C]CCGCTGTGGTGTTAGACAGGATCATCCTGGGCATTAAGGTTCCACTGCTGCAGCTCAAAC-3'
Protein context (NP_000210.2, residues 1-19): MILSNTTA[Val9Gly]TPFLTKLWQE